The following is an entry in ClinVar:

ClinVar aggregate classification (germline): Uncertain significance (1 of 4 stars; one submission).

Submission:

GeneDx
Classification: Uncertain significance. Last evaluated: 2023-01-10. Review status: criteria provided, single submitter. Criteria: GeneDx Variant Classification Process June 2021. Collection method: clinical testing. Allele origin: germline. Affected: yes.
Comment: Not observed at significant frequency in large population cohorts (gnomAD); In silico analysis supports that this missense variant does not alter protein structure/function; Has not been previously published as pathogenic or benign to our knowledge

NM_173495.3(PTCHD1):c.1928T>C (p.Val643Ala)

Gene: PTCHD1 (patched domain containing 1; plus strand). Cytogenetic location: Xp22.11.
Variant type: single nucleotide variant.
Coding change: c.1928T>C on transcript NM_173495.3 (MANE Select); coding-DNA position 1928, T replaced by C.
Protein change: p.Val643Ala; replaces valine 643 with alanine.
Molecular consequence: missense variant.
Genome position (GRCh38, 1-based): chrX:23,393,446, T>C. VCF-style: chrX-23393446-T-C. GRCh37 (hg19) VCF-style: chrX-23411563-T-C.
Other names: short protein forms V643A.
Identifiers: ClinVar variation 2572692 (VCV002572692.1), dbSNP rs1922890814, ClinGen allele CA412586706.